The following is an entry in ClinVar:

NM_000660.7(TGFB1):c.685G>A (p.Asp229Asn)

Gene: TGFB1 (transforming growth factor beta 1; minus strand). Cytogenetic location: 19q13.2.
Variant type: single nucleotide variant.
Coding change: c.685G>A on transcript NM_000660.7 (MANE Select); coding-DNA position 685, G replaced by A.
Protein change: p.Asp229Asn; replaces aspartic acid 229 with asparagine.
Molecular consequence: missense variant.
Genome position (GRCh38, 1-based): chr19:41,342,197, C>T on the plus strand (G>A on the coding strand, the complement: TGFB1 is on the minus strand). VCF-style: chr19-41342197-C-T. GRCh37 (hg19) VCF-style: chr19-41848102-C-T.
Other names: short protein forms D229N.
Identifiers: ClinVar variation 3671353 (VCV003671353.2).

ClinVar aggregate classification (germline): Uncertain significance (1 of 4 stars; one submission).

Submission:

Labcorp Genetics (formerly Invitae), Labcorp
Classification: Uncertain significance. Last evaluated: 2024-07-07. Review status: criteria provided, single submitter. Criteria: Invitae Variant Classification Sherloc (09022015). Collection method: clinical testing. Allele origin: germline.
Comment: This sequence change replaces aspartic acid, which is acidic and polar, with asparagine, which is neutral and polar, at codon 229 of the TGFB1 protein (p.Asp229Asn). This variant is not present in population databases (gnomAD no frequency). This variant has not been reported in the literature in individuals affected with TGFB1-related conditions. Advanced modeling of protein sequence and biophysical properties (such as structural, functional, and spatial information, amino acid conservation, physicochemical variation, residue mobility, and thermodynamic stability) performed at Invitae indicates that this missense variant is not expected to disrupt TGFB1 protein function with a negative predictive value of 80%. In summary, the available evidence is currently insufficient to determine the role of this variant in disease. Therefore, it has been classified as a Variant of Uncertain Significance.